The following is an entry in ClinVar:

NM_007118.4(TRIO):c.7497C>T (p.Ser2499=)

Gene: TRIO (trio Rho guanine nucleotide exchange factor; plus strand). Cytogenetic location: 5p15.2.
Variant type: single nucleotide variant.
Coding change: c.7497C>T on transcript NM_007118.4 (MANE Select); coding-DNA position 7497, C replaced by T.
Protein change: p.Ser2499=; no amino-acid change (serine 2499 retained).
Molecular consequence: synonymous variant.
Genome position (GRCh38, 1-based): chr5:14,488,125, C>T. VCF-style: chr5-14488125-C-T. GRCh37 (hg19) VCF-style: chr5-14488234-C-T.
Identifiers: ClinVar variation 1723562 (VCV001723562.2), dbSNP rs1370276399, ClinGen allele CA443537505.
Genomic context (GRCh38, chr5:14,488,125, plus strand): 5'-GCAGAAGGGGGGCTCCTTCTGGAGCTCCATCCCCGCCTCCCCCGCCAGCCGACCCGGCTC[C>T]TTCACCTTCCCGGGGGACAGCGACTCCCTCCAGCGGCAGACACCCCGCCACGCGGCCCCT-3'
Protein context (NP_009049.2, residues 2489-2509): IPASPASRPG[Ser2499=]FTFPGDSDSL

ClinVar aggregate classification (germline): Uncertain significance (1 of 4 stars; one submission).

Allele frequency attached by ClinVar (database versions not stated): gnomAD 0.00001.
gnomAD v4.1: 7 of 1,609,340 alleles (0.00043%); highest among the groups gnomAD compares: South Asian, 0.0066%; no homozygotes.

Submission:

GeneDx
Classification: Uncertain significance. Last evaluated: 2022-05-13. Review status: criteria provided, single submitter. Criteria: GeneDx Variant Classification Process June 2021. Collection method: clinical testing. Allele origin: germline. Affected: yes.
Comment: In silico analysis supports that this variant does not alter splicing; Has not been previously published as pathogenic or benign to our knowledge